The following is an entry in ClinVar:

ClinVar aggregate classification (germline): Conflicting classifications of pathogenicity. Review status: criteria provided, conflicting classifications (1 of 4 stars). 5 submissions from 5 submitters: Uncertain significance (4); Likely benign (1). Last evaluated 2023-09-20.

Conditions:
Linear nevus sebaceous syndrome. Also called: SCHIMMELPENNING-FEUERSTEIN-MIMS SYNDROME, SOMATIC MOSAIC; Sebaceous nevus syndrome and hemimegalencephaly; Nevus, Sebaceous of Jadassohn; Linear sebaceous nevus sequence; Linear nevus sebaceous; JADASSOHN NEVUS PHAKOMATOSIS. Identifiers: Orphanet 2612, MedGen C4552097, MONDO:0008097, OMIM 163200, HP:0010817.
Thyroid cancer, nonmedullary, 2 (NMTC2). Also called: THYROID CANCER, NONMEDULLARY, 2, SUSCEPTIBILITY TO; Thyroid carcinoma, follicular, somatic; THYROID CARCINOMA, FOLLICULAR. Identifiers: MedGen C4225426, MONDO:0008566, OMIM 188470.
Malignant tumor of urinary bladder. Also called: Bladder cancer; Urinary bladder cancer; Urinary Bladder Neoplasms. Identifiers: MedGen C0005684, MONDO:0001187, OMIM 109800.
Costello syndrome (CSTLO). Also called: FACIOCUTANEOSKELETAL SYNDROME; FCS SYNDROME; HRAS-Related Costello Syndrome. Identifiers: Orphanet 3071, MedGen C0587248, MONDO:0009026, OMIM 218040.
Epidermal nevus. Also called: Nevus, epidermal, somatic; NEVUS, KERATINOCYTIC, NONEPIDERMOLYTIC. Identifiers: Orphanet 79414, MedGen C0334082, MONDO:0008093, OMIM 162900, HP:0010816.
Large congenital melanocytic nevus (CMNS). Also called: MELANOCYTIC NEVUS SYNDROME, CONGENITAL, SOMATIC; Giant congenital nevus; Giant hairy nevus; Bathing trunk nevus; Congenital giant pigmented nevus; Congenital giant melanocytic nevus. Identifiers: Orphanet 626, MedGen C1842036, MONDO:0044792, OMIM 137550, HP:0005600.

Allele frequency attached by ClinVar (database versions not stated): TOPMed below 0.00001; gnomAD 0.00001; gnomAD exomes 0.00002; ExAC 0.00005.
gnomAD v4.1: 34 of 1,612,570 alleles (0.0021%); highest among the groups gnomAD compares: Non-Finnish European, 0.0028%; no homozygotes.

Submissions (5):

St. Jude Molecular Pathology, St. Jude Children's Research Hospital
Classification: Uncertain significance for Costello syndrome. Last evaluated: 2023-09-20. Review status: criteria provided, single submitter. Criteria: St. Jude Assertion Criteria 2020. Collection method: clinical testing. Allele origin: germline.
Comment: The HRAS c.11A>G (p.Tyr4Cys) missense change has a maximum subpopulation frequency of 0.0055% in gnomAD v2.1.1. The in silico tool REVEL is inconclusive about a pathogenic or benign effect of this variant on protein function, and to our knowledge functional studies have not been performed. To our knowledge, this variant has not been reported in the literature in individuals with Costello syndrome. In summary, the evidence currently available is insufficient to determine the clinical significance of this variant. It has therefore been classified as of uncertain significance.

Labcorp Genetics (formerly Invitae), Labcorp
Classification: Uncertain significance for Costello syndrome. Last evaluated: 2023-05-30. Review status: criteria provided, single submitter. Criteria: Invitae Variant Classification Sherloc (09022015). Collection method: clinical testing. Allele origin: germline.
Comment: In summary, the available evidence is currently insufficient to determine the role of this variant in disease. Therefore, it has been classified as a Variant of Uncertain Significance. Advanced modeling of protein sequence and biophysical properties (such as structural, functional, and spatial information, amino acid conservation, physicochemical variation, residue mobility, and thermodynamic stability) performed at Invitae indicates that this missense variant is expected to disrupt HRAS protein function. ClinVar contains an entry for this variant (Variation ID: 503537). This variant has not been reported in the literature in individuals affected with HRAS-related conditions. This variant is present in population databases (rs764622691, gnomAD 0.006%). This sequence change replaces tyrosine, which is neutral and polar, with cysteine, which is neutral and slightly polar, at codon 4 of the HRAS protein (p.Tyr4Cys).

Blueprint Genetics
Classification: Likely benign. Last evaluated: 2022-03-04. Review status: criteria provided, single submitter. Criteria: ACMG Guidelines, 2015. Collection method: clinical testing. Allele origin: germline.

Fulgent Genetics
Classification: Uncertain significance for Malignant tumor of urinary bladder; Large congenital melanocytic nevus; Epidermal nevus; Linear nevus sebaceous syndrome; Thyroid cancer, nonmedullary, 2; Costello syndrome. Last evaluated: 2021-09-17. Review status: criteria provided, single submitter. Criteria: ACMG Guidelines, 2015. Collection method: clinical testing. Allele origin: unknown.

Laboratory for Molecular Medicine, Mass General Brigham Personalized Medicine
Classification: Uncertain significance. Last evaluated: 2018-03-06. Review status: criteria provided, single submitter. Criteria: LMM Criteria. Collection method: clinical testing. Allele origin: germline.
Comment: Disclaimer: This variant has not undergone full assessment. The following are preliminary notes: GnomAd 11-534312-T-C: Europeans 7/126246;Change to Cys identified in microbat; Not in ClinVar, Pubmed, Google search or HGMD

NM_005343.4(HRAS):c.11A>G (p.Tyr4Cys)

Genes: HRAS (HRas proto-oncogene, GTPase; minus strand), LRRC56 (leucine rich repeat containing 56; plus strand). Cytogenetic location: 11p15.5.
Variant type: single nucleotide variant.
Coding change: c.11A>G on transcript NM_005343.4 (MANE Select); coding-DNA position 11, A replaced by G.
Protein change: p.Tyr4Cys; replaces tyrosine 4 with cysteine.
Molecular consequence: missense variant. On other transcripts: 5 prime UTR variant (1).
Genome position (GRCh38, 1-based): chr11:534,312, T>C on the plus strand (A>G on the coding strand, the complement: HRAS is on the minus strand). VCF-style: chr11-534312-T-C. GRCh37 (hg19) VCF-style: chr11-534312-T-C.
Other names: c.11A>G, p.Tyr4Cys (NM_001130442.3, NM_176795.5); c.-309A>G (NM_001318054.2); short protein forms Y4C.
Identifiers: ClinVar variation 503537 (VCV000503537.14), dbSNP rs764622691, ClinGen allele CA5779438.